The following is an entry in ClinVar:

ClinVar aggregate classification (germline): Pathogenic (1 of 4 stars; one submission).

Submission:

GeneDx
Classification: Pathogenic. Last evaluated: 2017-10-31. Review status: criteria provided, single submitter. Criteria: GeneDx Variant Classification (06012015). Collection method: clinical testing. Allele origin: germline. Affected: yes.
Comment: The c.4168_4169delAC variant in the GRIN2B gene has not been reported previously as a pathogenic variant nor as a benign variant, to our knowledge. The c.4168_4169delAC variant causes a frameshift starting with codon Threonine 1390, changes this amino acid to a Phenylalanine residue, and creates a premature Stop codon at position 68 of the new reading frame, denoted p.Thr1390PhefsX68. This variant is predicted to cause loss of normal protein function through protein truncation as the last 95 amino acids of the protein are lost and replaced by 67 incorrect amino acids. The c.4168_4169delAC variant is not observed in large population cohorts (Lek et al., 2016).

NM_000834.5(GRIN2B):c.4168_4169del (p.Thr1390fs)

Gene: GRIN2B (glutamate ionotropic receptor NMDA type subunit 2B; minus strand). Cytogenetic location: 12p13.1.
Variant type: Deletion.
Coding change: c.4168_4169del on transcript NM_000834.5 (MANE Select); coding-DNA positions 4168 to 4169, 2 bases deleted (AC; older notation c.4168_4169delAC).
Protein change: p.Thr1390fs; shifts the reading frame from threonine 1390.
Molecular consequence: frameshift variant.
Genome position (GRCh38, 1-based): chr12:13,563,069-13,563,070, GT deleted on the plus strand (AC on the coding strand, the reverse complement: GRIN2B is on the minus strand); deleting any 2 consecutive bases within chr12:13,563,069-13,563,071 gives the same sequence; the c. name uses the placement nearest the transcript's 3' end. VCF-style (leftmost placement, unchanged base first): chr12-13563068-AGT-A. GRCh37 (hg19) VCF-style: chr12-13716002-AGT-A.
Other names: short protein forms T1390fs.
Identifiers: ClinVar variation 453166 (VCV000453166.2), dbSNP rs1555101670, ClinGen allele CA658658120.